The following is an entry in ClinVar:

ClinVar aggregate classification (germline): Uncertain significance (1 of 4 stars; one submission).

Submission:

Labcorp Genetics (formerly Invitae), Labcorp
Classification: Uncertain significance. Last evaluated: 2021-12-21. Review status: criteria provided, single submitter. Criteria: Invitae Variant Classification Sherloc (09022015). Collection method: clinical testing. Allele origin: germline.
Comment: This sequence change replaces arginine, which is basic and polar, with proline, which is neutral and non-polar, at codon 1949 of the MCM3AP protein (p.Arg1949Pro). This variant is not present in population databases (gnomAD no frequency). This variant has not been reported in the literature in individuals affected with MCM3AP-related conditions. Algorithms developed to predict the effect of missense changes on protein structure and function (SIFT, PolyPhen-2, Align-GVGD) all suggest that this variant is likely to be disruptive. In summary, the available evidence is currently insufficient to determine the role of this variant in disease. Therefore, it has been classified as a Variant of Uncertain Significance.

NM_003906.5(MCM3AP):c.5846G>C (p.Arg1949Pro)

Genes: MCM3AP (minichromosome maintenance complex component 3 associated protein; minus strand), MCM3AP-AS1 (MCM3AP antisense RNA 1; plus strand). Cytogenetic location: 21q22.3.
Variant type: single nucleotide variant.
Coding change: c.5846G>C on transcript NM_003906.5 (MANE Select); coding-DNA position 5846, G replaced by C.
Protein change: p.Arg1949Pro; replaces arginine 1949 with proline.
Molecular consequence: missense variant.
Genome position (GRCh38, 1-based): chr21:46,235,365, C>G on the plus strand (G>C on the coding strand, the complement: MCM3AP is on the minus strand). VCF-style: chr21-46235365-C-G. GRCh37 (hg19) VCF-style: chr21-47655279-C-G.
Other names: short protein forms R1949P.
Identifiers: ClinVar variation 2023415 (VCV002023415.4), dbSNP rs374178711, ClinGen allele CA410532972.